The following is an entry in ClinVar:

ClinVar aggregate classification (germline): Likely benign (1 of 4 stars; one submission).

Allele frequency attached by ClinVar (database versions not stated): gnomAD 0.00002; TOPMed 0.00003; gnomAD exomes 0.00004; ExAC 0.00010.
gnomAD v4.1: 61 of 1,613,936 alleles (0.0038%); highest among the groups gnomAD compares: Middle Eastern, 0.049%; no homozygotes.

Submission:

CeGaT Center for Human Genetics Tuebingen
Classification: Likely benign. Last evaluated: 2022-07-01. Review status: criteria provided, single submitter. Criteria: CeGaT Center For Human Genetics Tuebingen Variant Classification Criteria Version 2. Collection method: clinical testing. Allele origin: germline. Affected: yes. Observed: 1 variant allele.
Comment: SNRNP70: BP4, BP7

NM_003089.6(SNRNP70):c.114T>C (p.Tyr38=)

Gene: SNRNP70 (small nuclear ribonucleoprotein U1 subunit 70; plus strand). Cytogenetic location: 19q13.33.
Variant type: single nucleotide variant.
Coding change: c.114T>C on transcript NM_003089.6 (MANE Select); coding-DNA position 114, T replaced by C.
Protein change: p.Tyr38=; no amino-acid change (tyrosine 38 retained).
Molecular consequence: synonymous variant.
Genome position (GRCh38, 1-based): chr19:49,086,528, T>C. VCF-style: chr19-49086528-T-C. GRCh37 (hg19) VCF-style: chr19-49589785-T-C.
Other names: c.114T>C, p.Tyr38= (NM_001301069.2).
Identifiers: ClinVar variation 2650233 (VCV002650233.24), dbSNP rs761161455, ClinGen allele CA9566092.
Genomic context (GRCh38, chr19:49,086,528, plus strand): 5'-TATTCCATACCTGCCACCCCTGGAGAAACTGCCACATGAAAAACACCACAATCAACCTTA[T>C]TGTGGCATTGCGCCGTACATTCGAGAGTTTGAGGTGAGTTCACTGAGCAGGCCAGGAATG-3'
Protein context (NP_003080.2, residues 28-48): LPHEKHHNQP[Tyr38=]CGIAPYIREF